The following is an entry in ClinVar:

ClinVar aggregate classification (germline): Pathogenic (1 of 4 stars; one submission).

Conditions:
Hereditary spastic paraplegia 15 (SPG15). Also called: SPASTIC PARAPLEGIA 15, AUTOSOMAL RECESSIVE; KJELLIN SYNDROME; SPASTIC PARAPLEGIA AND RETINAL DEGENERATION. Identifiers: Orphanet 100996, MedGen C1849128, MONDO:0010044, OMIM 270700.

Submission:

Myriad Genetics, Inc.
Classification: Pathogenic for Hereditary spastic paraplegia 15. Last evaluated: 2024-05-21. Review status: criteria provided, single submitter. Criteria: Myriad Autosomal Dominant, Autosomal Recessive and X-Linked Classification Criteria (2023). Collection method: clinical testing. Allele origin: unknown.
Comment: NM_015346.3(ZFYVE26):c.5172C>G(Y1724*) is expected to be pathogenic in the context of spastic paraplegia type 15. This variant is predicted to lead to an abnormal or absent protein product due to the creation of a premature termination codon in ZFYVE26, a gene where loss-of-function variants are known to be pathogenic. Please note: this variant was assessed in the context of healthy population screening.

NM_015346.4(ZFYVE26):c.5172C>G (p.Tyr1724Ter)

Gene: ZFYVE26 (zinc finger FYVE-type containing 26; minus strand). Cytogenetic location: 14q24.1.
Variant type: single nucleotide variant.
Coding change: c.5172C>G on transcript NM_015346.4 (MANE Select); coding-DNA position 5172, C replaced by G.
Protein change: p.Tyr1724Ter; replaces tyrosine 1724 with a stop codon.
Molecular consequence: nonsense.
Genome position (GRCh38, 1-based): chr14:67,775,909, G>C on the plus strand (C>G on the coding strand, the complement: ZFYVE26 is on the minus strand). VCF-style: chr14-67775909-G-C. GRCh37 (hg19) VCF-style: chr14-68242626-G-C.
Other names: short protein forms Y1724*.
Identifiers: ClinVar variation 5013082 (VCV005013082.1).
Genomic context (GRCh38, chr14:67,775,909, plus strand): 5'-CTAGCAGTTACCTGATCGTTTCTCCCTCTGAGGGTATGGAAAGTCCAGGGCTTTCTCTGC[G>C]TATCTGGAAAGCAGTGAGTCCACCTCGTCCATAGTGAAGCCAATCTCCTGTCCAACCAGC-3'